The following is an entry in ClinVar:

ClinVar aggregate classification (germline): Uncertain significance (1 of 4 stars; one submission).

Conditions:
Ehlers-Danlos syndrome, dermatosparaxis type. Also called: Ehlers-Danlos syndrome, type VII, autosomal recessive; Dermatosparaxis; EDS VIIC. Identifiers: Orphanet 1901, MedGen C2700425, MONDO:0009161, OMIM 225410.

Submission:

Labcorp Genetics (formerly Invitae), Labcorp
Classification: Uncertain significance for Ehlers-Danlos syndrome, dermatosparaxis type. Last evaluated: 2022-07-09. Review status: criteria provided, single submitter. Criteria: Invitae Variant Classification Sherloc (09022015). Collection method: clinical testing. Allele origin: germline.
Comment: In summary, the available evidence is currently insufficient to determine the role of this variant in disease. Therefore, it has been classified as a Variant of Uncertain Significance. Algorithms developed to predict the effect of missense changes on protein structure and function are either unavailable or do not agree on the potential impact of this missense change (SIFT: "Deleterious"; PolyPhen-2: "Benign"; Align-GVGD: "Class C25"). This variant has not been reported in the literature in individuals affected with ADAMTS2-related conditions. This variant is not present in population databases (gnomAD no frequency). This sequence change replaces alanine, which is neutral and non-polar, with valine, which is neutral and non-polar, at codon 685 of the ADAMTS2 protein (p.Ala685Val).

NM_014244.5(ADAMTS2):c.2054C>T (p.Ala685Val)

Gene: ADAMTS2 (ADAM metallopeptidase with thrombospondin type 1 motif 2; minus strand). Cytogenetic location: 5q35.3.
Variant type: single nucleotide variant.
Coding change: c.2054C>T on transcript NM_014244.5 (MANE Select); coding-DNA position 2054, C replaced by T.
Protein change: p.Ala685Val; replaces alanine 685 with valine.
Molecular consequence: missense variant.
Genome position (GRCh38, 1-based): chr5:179,135,940, G>A on the plus strand (C>T on the coding strand, the complement: ADAMTS2 is on the minus strand). VCF-style: chr5-179135940-G-A. GRCh37 (hg19) VCF-style: chr5-178562941-G-A.
Other names: short protein forms A685V.
Identifiers: ClinVar variation 2414759 (VCV002414759.8), dbSNP rs2480190460, ClinGen allele CA362425602.